The following is an entry in ClinVar:

ClinVar aggregate classification (germline): Conflicting classifications of pathogenicity. Review status: criteria provided, conflicting classifications (1 of 4 stars). 3 submissions from 3 submitters: Uncertain significance (2); Likely benign (1). Last evaluated 2024-09-24.

Conditions:
Amyloidosis, hereditary systemic 5. Identifiers: MedGen C5935572, MONDO:0971009, OMIM 620658.
Inborn genetic diseases. Identifiers: MedGen C0950123, MeSH D030342.

Allele frequency attached by ClinVar (database versions not stated): TOPMed below 0.00001; gnomAD exomes 0.00001.
gnomAD v4.1: 4 of 1,614,136 alleles (0.00025%); highest among the groups gnomAD compares: Admixed American, 0.0067%; no homozygotes.

Submissions (3):

Ambry Genetics
Classification: Likely benign for Inborn genetic diseases. Last evaluated: 2024-09-24. Review status: criteria provided, single submitter. Criteria: Ambry Variant Classification Scheme 2023. Collection method: clinical testing. Allele origin: germline.

Fulgent Genetics
Classification: Uncertain significance for Amyloidosis, hereditary systemic 5. Last evaluated: 2024-03-14. Review status: criteria provided, single submitter. Criteria: ACMG Guidelines, 2015. Collection method: clinical testing. Allele origin: germline.

Labcorp Genetics (formerly Invitae), Labcorp
Classification: Uncertain significance. Last evaluated: 2022-02-20. Review status: criteria provided, single submitter. Criteria: Invitae Variant Classification Sherloc (09022015). Collection method: clinical testing. Allele origin: germline.
Comment: In summary, the available evidence is currently insufficient to determine the role of this variant in disease. Therefore, it has been classified as a Variant of Uncertain Significance. Algorithms developed to predict the effect of missense changes on protein structure and function (SIFT, PolyPhen-2, Align-GVGD) all suggest that this variant is likely to be disruptive. This variant has not been reported in the literature in individuals affected with LYZ-related conditions. This variant is present in population databases (no rsID available, gnomAD 0.009%). This sequence change replaces isoleucine, which is neutral and non-polar, with threonine, which is neutral and polar, at codon 77 of the LYZ protein (p.Ile77Thr).

NM_000239.3(LYZ):c.230T>C (p.Ile77Thr)

Gene: LYZ (lysozyme; plus strand). Cytogenetic location: 12q15.
Variant type: single nucleotide variant.
Coding change: c.230T>C on transcript NM_000239.3 (MANE Select); coding-DNA position 230, T replaced by C.
Protein change: p.Ile77Thr; replaces isoleucine 77 with threonine.
Molecular consequence: missense variant.
Genome position (GRCh38, 1-based): chr12:69,350,201, T>C. VCF-style: chr12-69350201-T-C. GRCh37 (hg19) VCF-style: chr12-69743981-T-C.
Other names: short protein forms I77T.
Identifiers: ClinVar variation 2142972 (VCV002142972.6), dbSNP rs1363507110, ClinGen allele CA385725979.
Genomic context (GRCh38, chr12:69,350,201, plus strand): 5'-ACACACGAGCTACAAACTACAATGCTGGAGACAGAAGCACTGATTATGGGATATTTCAGA[T>C]CAATAGCCGCTACTGGTGTAATGATGGCAAAACCCCAGGAGCAGTTAATGCCTGTCATTT-3'
Protein context (NP_000230.1, residues 67-87): DRSTDYGIFQ[Ile77Thr]NSRYWCNDGK